The following is an entry in ClinVar:

NM_022114.4(PRDM16):c.1441G>A (p.Ala481Thr)

Gene: PRDM16 (PR/SET domain 16; plus strand). Cytogenetic location: 1p36.32.
Variant type: single nucleotide variant.
Coding change: c.1441G>A on transcript NM_022114.4 (MANE Select); coding-DNA position 1441, G replaced by A.
Protein change: p.Ala481Thr; replaces alanine 481 with threonine.
Molecular consequence: missense variant.
Genome position (GRCh38, 1-based): chr1:3,411,638, G>A. VCF-style: chr1-3411638-G-A. GRCh37 (hg19) VCF-style: chr1-3328202-G-A.
Other names: c.1441G>A, p.Ala481Thr (NM_199454.3); short protein forms A481T.
Identifiers: ClinVar variation 969548 (VCV000969548.13), dbSNP rs377240759, ClinGen allele CA544192.

ClinVar aggregate classification (germline): Uncertain significance. Review status: criteria provided, multiple submitters, no conflicts (2 of 4 stars). 2 submissions from 2 submitters: Uncertain significance (2). Last evaluated 2025-12-28.

Conditions:
Inborn genetic diseases. Identifiers: MedGen C0950123, MeSH D030342.
Left ventricular noncompaction 8 (LVNC8). Identifiers: Orphanet 154, Orphanet 54260, MedGen C3809288, MONDO:0014152, OMIM 615373.

Allele frequency attached by ClinVar (database versions not stated): gnomAD 0.00002; TOPMed 0.00002; ESP Exome Variant Server 0.00008.

Submissions (2):

Labcorp Genetics (formerly Invitae), Labcorp
Classification: Uncertain significance for Left ventricular noncompaction 8. Last evaluated: 2025-12-28. Review status: criteria provided, single submitter. Criteria: Invitae Variant Classification Sherloc (09022015). Collection method: clinical testing. Allele origin: germline.
Comment: This sequence change replaces alanine, which is neutral and non-polar, with threonine, which is neutral and polar, at codon 481 of the PRDM16 protein (p.Ala481Thr). The frequency data for this variant in the population databases is considered unreliable, as metrics indicate poor data quality at this position in the gnomAD database. This variant has not been reported in the literature in individuals affected with PRDM16-related conditions. ClinVar contains an entry for this variant (Variation ID: 969548). An algorithm developed to predict the effect of missense changes on protein structure and function outputs the following: PolyPhen-2: "Benign". The threonine amino acid residue is found in multiple mammalian species, which suggests that this missense change does not adversely affect protein function. In summary, the available evidence is currently insufficient to determine the role of this variant in disease. Therefore, it has been classified as a Variant of Uncertain Significance.

Ambry Genetics
Classification: Uncertain significance for Inborn genetic diseases. Last evaluated: 2025-12-09. Review status: criteria provided, single submitter. Criteria: Ambry Variant Classification Scheme 2023. Collection method: clinical testing. Allele origin: germline.